The following is an entry in ClinVar:

ClinVar aggregate classification (germline): Pathogenic (1 of 4 stars; one submission).

Conditions:
Marfan syndrome (MFS). Also called: MARFAN SYNDROME, TYPE I; Marfan syndrome type 1; Marfan's syndrome; Marfan syndrome, classic; FBN1-Related Marfan Syndrome. Identifiers: Orphanet 284963, Orphanet 558, MedGen C0024796, MONDO:0007947, OMIM 154700.
Familial thoracic aortic aneurysm and aortic dissection (TAAD). Also called: Thoracic aortic aneurysms and dissections. Identifiers: Orphanet 91387, MedGen C4707243, MONDO:0019625.

Submission:

Labcorp Genetics (formerly Invitae), Labcorp
Classification: Pathogenic for Marfan syndrome; Familial thoracic aortic aneurysm and aortic dissection. Last evaluated: 2023-09-05. Review status: criteria provided, single submitter. Criteria: Invitae Variant Classification Sherloc (09022015). Collection method: clinical testing. Allele origin: germline.
Comment: For these reasons, this variant has been classified as Pathogenic. This premature translational stop signal has been observed in individual(s) with Marfan syndrome (PMID: 32679894). This variant is not present in population databases (gnomAD no frequency). This sequence change creates a premature translational stop signal (p.His219Profs*4) in the FBN1 gene. It is expected to result in an absent or disrupted protein product. Loss-of-function variants in FBN1 are known to be pathogenic (PMID: 17657824, 19293843).

Literature cited by the submitters: PubMed 32679894; PubMed 17657824; PubMed 19293843.

NM_000138.5(FBN1):c.653dup (p.His219fs)

Gene: FBN1 (fibrillin 1; minus strand). Cytogenetic location: 15q21.1.
Variant type: Duplication.
Coding change: c.653dup on transcript NM_000138.5 (MANE Select); coding-DNA position 653, one base duplicated (G; older notation c.653dupG).
Protein change: p.His219fs; shifts the reading frame from histidine 219.
Molecular consequence: frameshift variant.
Genome position (GRCh38, 1-based): chr15:48,537,694, C duplicated on the plus strand (G on the coding strand, the reverse complement: FBN1 is on the minus strand); the first of 4 consecutive C bases (chr15:48,537,694-48,537,697); duplicating any one gives the same sequence. VCF-style (leftmost placement, unchanged base first): chr15-48537693-G-GC. GRCh37 (hg19) VCF-style: chr15-48829890-G-GC.
Other names: c.653dup, p.His219fs (NM_001406716.1, NM_001406717.1); short protein forms H219fs.
Identifiers: ClinVar variation 2938114 (VCV002938114.3), dbSNP rs2505661362, ClinGen allele CA2695220426.